The following is an entry in ClinVar:

NM_021619.3(PRDM12):c.606C>T (p.Tyr202=)

Gene: PRDM12 (PR/SET domain 12; plus strand). Cytogenetic location: 9q34.12.
Variant type: single nucleotide variant.
Coding change: c.606C>T on transcript NM_021619.3 (MANE Select); coding-DNA position 606, C replaced by T.
Protein change: p.Tyr202=; no amino-acid change (tyrosine 202 retained).
Molecular consequence: synonymous variant.
Genome position (GRCh38, 1-based): chr9:130,678,564, C>T. VCF-style: chr9-130678564-C-T. GRCh37 (hg19) VCF-style: chr9-133553951-C-T.
Other names: c.606C>T (NM_021619.2).
Identifiers: ClinVar variation 1622382 (VCV001622382.11), dbSNP rs764212313, ClinGen allele CA5284603.

ClinVar aggregate classification (germline): Likely benign. Review status: criteria provided, multiple submitters, no conflicts (2 of 4 stars). 3 submissions from 3 submitters: Likely benign (2). 1 of the submissions does not count toward it. Last evaluated 2025-10-02.

Conditions:
Congenital insensitivity to pain-hypohidrosis syndrome. Also called: Neuropathy, hereditary sensory and autonomic, type VIII; HSAN VIII. Identifiers: Orphanet 478664, MedGen C4225308, MONDO:0014662, OMIM 616488.
PRDM12-related disorder. Also called: PRDM12-related condition.

Allele frequency attached by ClinVar (database versions not stated): ExAC 0.00002; gnomAD exomes 0.00002; gnomAD 0.00003 and 0.00004; TOPMed 0.00003.

Submissions (3):

Labcorp Genetics (formerly Invitae), Labcorp
Classification: Likely benign for Congenital insensitivity to pain-hypohidrosis syndrome. Last evaluated: 2025-10-02. Review status: criteria provided, single submitter. Criteria: Invitae Variant Classification Sherloc (09022015). Collection method: clinical testing. Allele origin: germline.

Blueprint Genetics
Classification: Likely benign. Last evaluated: 2024-11-27. Review status: criteria provided, single submitter. Criteria: ACMG Guidelines, 2015. Collection method: clinical testing. Allele origin: germline.

PreventionGenetics, part of Exact Sciences
Classification: Likely benign for PRDM12-related condition. Last evaluated: 2019-07-11. Review status: no assertion criteria provided. Collection method: clinical testing. Allele origin: germline. Not counted in ClinVar's aggregate classification.
Comment: This variant is classified as likely benign based on ACMG/AMP sequence variant interpretation guidelines (Richards et al. 2015 PMID: 25741868, with internal and published modifications).